The following is an entry in ClinVar:

NM_001330260.2(SCN8A):c.2747G>A (p.Arg916His)

Gene: SCN8A (sodium voltage-gated channel alpha subunit 8; plus strand). Cytogenetic location: 12q13.13.
Variant type: single nucleotide variant.
Coding change: c.2747G>A on transcript NM_001330260.2 (MANE Select); coding-DNA position 2747, G replaced by A.
Protein change: p.Arg916His; replaces arginine 916 with histidine.
Molecular consequence: missense variant.
Genome position (GRCh38, 1-based): chr12:51,765,873, G>A. VCF-style: chr12-51765873-G-A. GRCh37 (hg19) VCF-style: chr12-52159657-G-A.
Other names: c.2747G>A, p.Arg916His (NM_001177984.3, NM_001369788.1, NM_014191.4); short protein forms R916H.
Identifiers: ClinVar variation 3340842 (VCV003340842.3).

ClinVar aggregate classification (germline): Uncertain significance. Review status: criteria provided, multiple submitters, no conflicts (2 of 4 stars). 2 submissions from 2 submitters: Uncertain significance (2). Last evaluated 2024-10-25.

Conditions:
Early-infantile DEE. Also called: Early infantile epileptic encephalopathy with suppression bursts; Early infantile epileptic encephalopathy; Ohtahara syndrome. Identifiers: Orphanet 1934, MedGen C0393706, MONDO:0800491.

Submissions (2):

Labcorp Genetics (formerly Invitae), Labcorp
Classification: Uncertain significance for Early-infantile DEE. Last evaluated: 2024-10-25. Review status: criteria provided, single submitter. Criteria: Invitae Variant Classification Sherloc (09022015). Collection method: clinical testing. Allele origin: germline.
Comment: This sequence change replaces arginine, which is basic and polar, with histidine, which is basic and polar, at codon 916 of the SCN8A protein (p.Arg916His). This variant is not present in population databases (gnomAD no frequency). This variant has not been reported in the literature in individuals affected with SCN8A-related conditions. Invitae Evidence Modeling of protein sequence and biophysical properties (such as structural, functional, and spatial information, amino acid conservation, physicochemical variation, residue mobility, and thermodynamic stability) indicates that this missense variant is expected to disrupt SCN8A protein function with a positive predictive value of 95%. In summary, the available evidence is currently insufficient to determine the role of this variant in disease. Therefore, it has been classified as a Variant of Uncertain Significance.

GeneDx
Classification: Uncertain significance. Last evaluated: 2024-02-21. Review status: criteria provided, single submitter. Criteria: GeneDx Variant Classification Process June 2021. Collection method: clinical testing. Allele origin: germline. Affected: yes.
Comment: Not observed at significant frequency in large population cohorts (gnomAD); In silico analysis supports that this missense variant has a deleterious effect on protein structure/function; Has not been previously published as pathogenic or benign to our knowledge; This substitution is predicted to be within the extracellular loop between the S5 and S6 transmembrane segments of the second homologous domain